The following is an entry in ClinVar:

ClinVar aggregate classification (germline): Benign/Likely benign. Review status: criteria provided, multiple submitters, no conflicts (2 of 4 stars). 6 submissions from 6 submitters: Benign (2); Likely benign (4). Last evaluated 2025-12-21.

Conditions:
Renal cell carcinoma. Identifiers: Orphanet 217071, MedGen C0007134, MeSH D002292, MONDO:0005086, HP:0005584.
Papillary renal cell carcinoma type 1 (RCCP1). Also called: RENAL CELL CARCINOMA, PAPILLARY, 1, SOMATIC; Renal adenocarcinoma; Renal cell carcinoma 1; Renal cell carcinoma, somatic. Identifiers: Orphanet 47044, MedGen C1336839, OMIM 605074, HP:0011797.
Hereditary cancer-predisposing syndrome. Also called: Neoplastic Syndromes, Hereditary; Hereditary neoplastic syndrome; Hereditary Cancer Syndrome; Tumor predisposition. Identifiers: Orphanet 140162, MedGen C0027672, MeSH D009386, MONDO:0015356.

Allele frequency attached by ClinVar (database versions not stated): gnomAD exomes below 0.00001; ExAC 0.00001; gnomAD 0.00002; TOPMed 0.00002; ESP Exome Variant Server 0.00008.
gnomAD v4.1: 19 of 1,613,958 alleles (0.0012%); highest among the groups gnomAD compares: African/African-American, 0.004%; no homozygotes.

Submissions (6):

Labcorp Genetics (formerly Invitae), Labcorp
Classification: Likely benign for Renal cell carcinoma. Last evaluated: 2025-12-21. Review status: criteria provided, single submitter. Criteria: Invitae Variant Classification Sherloc (09022015). Collection method: clinical testing. Allele origin: germline.

Myriad Genetics, Inc.
Classification: Benign for Papillary renal cell carcinoma type 1. Last evaluated: 2024-11-12. Review status: criteria provided, single submitter. Criteria: Myriad Autosomal Dominant, Autosomal Recessive and X-Linked Classification Criteria (2023). Collection method: clinical testing. Allele origin: unknown.
Comment: This variant is considered benign. This variant is a silent/synonymous amino acid change and it is not expected to impact splicing.

Mendelics
Classification: Benign. Last evaluated: 2022-05-04. Review status: criteria provided, single submitter. Criteria: Mendelics Assertion Criteria 2019. Collection method: clinical testing. Allele origin: germline.

GeneDx
Classification: Likely benign. Last evaluated: 2021-04-30. Review status: criteria provided, single submitter. Criteria: GeneDx Variant Classification Process June 2021. Collection method: clinical testing. Allele origin: germline. Affected: yes.
Comment: This variant is associated with the following publications: (PMID: 31785789)

Blueprint Genetics
Classification: Likely benign. Last evaluated: 2020-01-23. Review status: criteria provided, single submitter. Criteria: ACMG Guidelines, 2015. Collection method: clinical testing. Allele origin: germline.

Ambry Genetics
Classification: Likely benign for Hereditary cancer-predisposing syndrome. Last evaluated: 2015-03-23. Review status: criteria provided, single submitter. Criteria: Ambry Variant Classification Scheme 2023. Collection method: clinical testing. Allele origin: germline.

NM_000245.4(MET):c.3054C>T (p.Asn1018=)

Gene: MET (MET proto-oncogene, receptor tyrosine kinase; plus strand). Cytogenetic location: 7q31.2.
Variant type: single nucleotide variant.
Coding change: c.3054C>T on transcript NM_000245.4 (MANE Select); coding-DNA position 3054, C replaced by T.
Protein change: p.Asn1018=; no amino-acid change (asparagine 1018 retained).
Molecular consequence: synonymous variant.
Genome position (GRCh38, 1-based): chr7:116,774,906, C>T. VCF-style: chr7-116774906-C-T. GRCh37 (hg19) VCF-style: chr7-116414960-C-T.
Other names: c.3108C>T, p.Asn1036= (NM_001127500.3); c.1764C>T, p.Asn588= (NM_001324402.2).
Identifiers: ClinVar variation 699998 (VCV000699998.18), dbSNP rs369148519, ClinGen allele CA4448646.